The following is an entry in ClinVar:

ClinVar aggregate classification (germline): Conflicting classifications of pathogenicity. Review status: criteria provided, conflicting classifications (1 of 4 stars). 3 submissions from 3 submitters: Pathogenic (1); Uncertain significance (2). Last evaluated 2025-05-27.

Conditions:
Odonto-onycho-dermal dysplasia. Identifiers: Orphanet 2721, MedGen C0796093, MONDO:0009773, OMIM 257980.
Tooth agenesis, selective, 4 (STHAG4). Also called: SUCCEDANEOUS TEETH, AGENESIS OF; TOOTH AGENESIS, SELECTIVE, 4, WITH OR WITHOUT ECTODERMAL DYSPLASIA; LATERAL INCISORS, ABSENCE OF; LATERAL INCISORS, PEGGED OR MISSING. Identifiers: Orphanet 99798, MedGen C1835492, MONDO:0007881, OMIM 150400. Disease mechanism: loss of function.

Allele frequency attached by ClinVar (database versions not stated): TOPMed below 0.00001; gnomAD 0.00001.

Submissions (3):

Women's Health and Genetics/Laboratory Corporation of America, LabCorp
Classification: Uncertain significance. Last evaluated: 2025-05-27. Review status: criteria provided, single submitter. Criteria: LabCorp Variant Classification Summary - May 2015. Collection method: clinical testing. Allele origin: germline.
Comment: Variant summary: WNT10A c.650A>G (p.Asp217Gly) results in a non-conservative amino acid change in the encoded protein sequence. Algorithms developed to predict the effect of missense changes on protein structure and function all suggest that this variant is likely to be disruptive. The variant was absent in 248352 control chromosomes. The available data on variant occurrences in the general population are insufficient to allow any conclusion about variant significance. c.650A>G has not been observed in individual(s) affected with Odonto-onycho-dermal dysplasia. These report(s) do not provide unequivocal conclusions about association of the variant with Odonto-onycho-dermal dysplasia. To our knowledge, no experimental evidence demonstrating an impact on protein function has been reported. ClinVar contains an entry for this variant (Variation ID: 379584). Based on the evidence outlined above, the variant was classified as uncertain significance.

Labcorp Genetics (formerly Invitae), Labcorp
Classification: Uncertain significance for Tooth agenesis, selective, 4; Odonto-onycho-dermal dysplasia. Last evaluated: 2025-02-23. Review status: criteria provided, single submitter. Criteria: Invitae Variant Classification Sherloc (09022015). Collection method: clinical testing. Allele origin: germline.
Comment: This sequence change replaces aspartic acid, which is acidic and polar, with glycine, which is neutral and non-polar, at codon 217 of the WNT10A protein (p.Asp217Gly). This variant is present in population databases (no rsID available, gnomAD 0.007%). This missense change has been observed in individual(s) with clinical features of autosomal recessive odonto-oncho-dermal dysplasia (internal data). In at least one individual the data is consistent with being in trans (on the opposite chromosome) from a pathogenic variant. ClinVar contains an entry for this variant (Variation ID: 379584). Invitae Evidence Modeling of protein sequence and biophysical properties (such as structural, functional, and spatial information, amino acid conservation, physicochemical variation, residue mobility, and thermodynamic stability) indicates that this missense variant is not expected to disrupt WNT10A protein function with a negative predictive value of 80%. In summary, the available evidence is currently insufficient to determine the role of this variant in disease. Therefore, it has been classified as a Variant of Uncertain Significance.

GeneDx
Classification: Pathogenic. Last evaluated: 2015-04-24. Review status: criteria provided, single submitter. Criteria: GeneDx Variant Classification (06012015). Collection method: clinical testing. Allele origin: germline. Affected: yes.
Comment: The D217G variant has not been published as pathogenic, nor has it been reported as a benignpolymorphism to our knowledge. The D217G substitution was not observed in approximately 6,500 individualsof European and African American ancestry in the NHLBI Exome Sequencing Project, indicating it is nota common benign variant in these populations. The D217G variant is a non-conservative amino acidsubstitution, which is likely to impact secondary protein structure as these residues differ in polarity,charge, size and/or other properties. This substitution occurs at a position that is conserved. In silicoanalysis predicts this substitution is probably damaging to the protein structure/function. A missensevariant in this residue (D217N) and in nearby residues (G213S, R223C) have been reported in theHuman Gene Mutation Database in association with WNT10A-related (Stenson et al., 2014), supportingthe functional importance of this region of the protein. Therefore, D217G is interpreted to be a pathogenic variant.

NM_025216.3(WNT10A):c.650A>G (p.Asp217Gly)

Gene: WNT10A (Wnt family member 10A; plus strand). Cytogenetic location: 2q35.
Variant type: single nucleotide variant.
Coding change: c.650A>G on transcript NM_025216.3 (MANE Select); coding-DNA position 650, A replaced by G.
Protein change: p.Asp217Gly; replaces aspartic acid 217 with glycine.
Molecular consequence: missense variant.
Genome position (GRCh38, 1-based): chr2:218,890,257, A>G. VCF-style: chr2-218890257-A-G. GRCh37 (hg19) VCF-style: chr2-219754979-A-G.
Other names: short protein forms D217G.
Identifiers: ClinVar variation 379584 (VCV000379584.5), dbSNP rs1057520655, ClinGen allele CA16604387.